The following is an entry in ClinVar:

ClinVar aggregate classification (germline): Uncertain significance (1 of 4 stars; one submission).

Conditions:
Cystic fibrosis (CF). Also called: MUCOVISCIDOSIS. Identifiers: Orphanet 586, MedGen C0010674, MONDO:0009061, OMIM 219700. Disease mechanism: loss of function.

Submission:

Ambry Genetics
Classification: Uncertain significance for Cystic fibrosis. Last evaluated: 2023-07-13. Review status: criteria provided, single submitter. Criteria: Ambry Variant Classification Scheme 2023. Collection method: clinical testing. Allele origin: germline.
Comment: The p.R80T variant (also known as c.239G>C), located in coding exon 3 of the CFTR gene, results from a G to C substitution at nucleotide position 239. The arginine at codon 80 is replaced by threonine, an amino acid with similar properties. This amino acid position is conserved. In addition, the in silico prediction for this alteration is inconclusive. Since supporting evidence is limited at this time, the clinical significance of this alteration remains unclear.

NM_000492.4(CFTR):c.239G>C (p.Arg80Thr)

Gene: CFTR (CF transmembrane conductance regulator; plus strand). Cytogenetic location: 7q31.2.
Variant type: single nucleotide variant.
Coding change: c.239G>C on transcript NM_000492.4 (MANE Select); coding-DNA position 239, G replaced by C.
Protein change: p.Arg80Thr; replaces arginine 80 with threonine.
Molecular consequence: missense variant.
Genome position (GRCh38, 1-based): chr7:117,509,108, G>C. VCF-style: chr7-117509108-G-C. GRCh37 (hg19) VCF-style: chr7-117149162-G-C.
Other names: short protein forms R80T.
Identifiers: ClinVar variation 2587607 (VCV002587607.2), dbSNP rs2484975496, ClinGen allele CA368972245.
Genomic context (GRCh38, chr7:117,509,108, plus strand): 5'-AGCTGGCTTCAAAGAAAAATCCTAAACTCATTAATGCCCTTCGGCGATGTTTTTTCTGGA[G>C]ATTTATGTTCTATGGAATCTTTTTATATTTAGGGGTAAGGATCTCATTTGTACATTCATT-3'
Protein context (NP_000483.3, residues 70-90): INALRRCFFW[Arg80Thr]FMFYGIFLYL